The following is an entry in ClinVar:

ClinVar aggregate classification (germline): Conflicting classifications of pathogenicity. Review status: criteria provided, conflicting classifications (1 of 4 stars). 2 submissions from 2 submitters: Uncertain significance (1); Likely benign (1). Last evaluated 2025-08-13.

Conditions:
Hereditary cancer-predisposing syndrome. Also called: Neoplastic Syndromes, Hereditary; Hereditary Cancer Syndrome; Hereditary neoplastic syndrome; Tumor predisposition. Identifiers: Orphanet 140162, MedGen C0027672, MeSH D009386, MONDO:0015356.
Gorlin syndrome. Also called: Nevoid Basal Cell Carcinoma Syndrome; Basal cell nevus syndrome. Identifiers: Orphanet 377, MedGen C0004779, MONDO:0007187.

Allele frequency attached by ClinVar (database versions not stated): gnomAD exomes below 0.00001.
gnomAD v4.1: 3 of 1,614,192 alleles (0.00019%); highest among the groups gnomAD compares: Non-Finnish European, 0.00025%; no homozygotes.

Submissions (2):

Labcorp Genetics (formerly Invitae), Labcorp
Classification: Likely benign for Gorlin syndrome. Last evaluated: 2025-08-13. Review status: criteria provided, single submitter. Criteria: Invitae Variant Classification Sherloc (09022015). Collection method: clinical testing. Allele origin: germline.

Ambry Genetics
Classification: Uncertain significance for Hereditary cancer-predisposing syndrome. Last evaluated: 2024-12-18. Review status: criteria provided, single submitter. Criteria: Ambry Variant Classification Scheme 2023. Collection method: clinical testing. Allele origin: germline.
Comment: The c.3000C>T variant (also known as p.N1000N), located in coding exon 18 of the PTCH1 gene, results from a C to T substitution at nucleotide position 3000. This nucleotide substitution does not change the asparagine at codon 1000. This nucleotide position is well conserved in available vertebrate species. In silico splice site analysis for this alteration is inconclusive; however, direct evidence is insufficient at this time (Ambry internal data). Based on the available evidence, the clinical significance of this variant remains unclear.

NM_000264.5(PTCH1):c.3000C>T (p.Asn1000=)

Gene: PTCH1 (patched 1; minus strand). Cytogenetic location: 9q22.32.
Variant type: single nucleotide variant.
Coding change: c.3000C>T on transcript NM_000264.5 (MANE Select); coding-DNA position 3000, C replaced by T.
Protein change: p.Asn1000=; no amino-acid change (asparagine 1000 retained).
Molecular consequence: synonymous variant. On other transcripts: non-coding transcript variant (1).
Genome position (GRCh38, 1-based): chr9:95,458,181, G>A on the plus strand (C>T on the coding strand, the complement: PTCH1 is on the minus strand). VCF-style: chr9-95458181-G-A. GRCh37 (hg19) VCF-style: chr9-98220463-G-A.
Other names: c.2802C>T, p.Asn934= (NM_001083602.3); c.2997C>T, p.Asn999= (NM_001083603.3); c.2547C>T, p.Asn849= (NM_001083604.3, NM_001083605.3, NM_001083606.3 and 1 more transcripts); c.2844C>T, p.Asn948= (NM_001354918.2); c.3000C>T (NM_000264.3).
Identifiers: ClinVar variation 1156153 (VCV001156153.8), dbSNP rs2136661651, ClinGen allele CA466352074.